The following is an entry in ClinVar:

NM_001673.5(ASNS):c.1464C>T (p.Tyr488=)

Genes: ASNS (asparagine synthetase (glutamine-hydrolyzing); minus strand), CZ1P-ASNS (CZ1P-ASNS readthrough; minus strand). Cytogenetic location: 7q21.3.
Variant type: single nucleotide variant.
Coding change: c.1464C>T on transcript NM_001673.5 (MANE Select); coding-DNA position 1464, C replaced by T.
Protein change: p.Tyr488=; no amino-acid change (tyrosine 488 retained).
Molecular consequence: synonymous variant. On other transcripts: non-coding transcript variant (1).
Genome position (GRCh38, 1-based): chr7:97,853,072, G>A on the plus strand (C>T on the coding strand, the complement: ASNS is on the minus strand). VCF-style: chr7-97853072-G-A. GRCh37 (hg19) VCF-style: chr7-97482384-G-A.
Other names: c.1464C>T, p.Tyr488= (NM_133436.3, NM_001352496.2, NM_183356.4); c.1401C>T, p.Tyr467= (NM_001178075.2); c.1215C>T, p.Tyr405= (NM_001178076.2, NM_001178077.1).
Identifiers: ClinVar variation 764099 (VCV000764099.17), dbSNP rs768064875, ClinGen allele CA4354501.

ClinVar aggregate classification (germline): Conflicting classifications of pathogenicity. Review status: criteria provided, conflicting classifications (1 of 4 stars). 2 submissions from 2 submitters: Uncertain significance (1); Likely benign (1). Last evaluated 2026-09-22.

Allele frequency attached by ClinVar (database versions not stated): gnomAD exomes 0.00010 and 0.00007; ExAC 0.00006; gnomAD 0.00007 and 0.00006; TOPMed 0.00008.
gnomAD v4.1: 154 of 1,580,108 alleles (0.0097%); highest among the groups gnomAD compares: Non-Finnish European, 0.012%; no homozygotes.

Submissions (2):

GeneDx
Classification: Uncertain significance. Last evaluated: 2026-09-22. Review status: criteria provided, single submitter. Criteria: GeneDx Variant Classification Process June 2021. Collection method: clinical testing. Allele origin: germline.
Comment: Not observed at significant frequency in large population cohorts (gnomAD); Has not been previously published as pathogenic or benign to our knowledge; In silico analysis suggests this variant may impact gene splicing. In the absence of RNA/functional studies, the actual effect of this sequence change is unknown.

Labcorp Genetics (formerly Invitae), Labcorp
Classification: Likely benign. Last evaluated: 2026-01-11. Review status: criteria provided, single submitter. Criteria: Invitae Variant Classification Sherloc (09022015). Collection method: clinical testing. Allele origin: germline.